The following is an entry in ClinVar:

ClinVar aggregate classification (germline): Likely pathogenic (1 of 4 stars; one submission).

gnomAD v4.1: 1 of 1,613,936 alleles (0.000062%); highest among the groups gnomAD compares: Non-Finnish European, 0.000085%; no homozygotes.

Submission:

Labcorp Genetics (formerly Invitae), Labcorp
Classification: Likely pathogenic. Last evaluated: 2024-10-02. Review status: criteria provided, single submitter. Criteria: Invitae Variant Classification Sherloc (09022015). Collection method: clinical testing. Allele origin: germline.
Comment: This sequence change affects an acceptor splice site in intron 20 of the AARS2 gene. It is expected to disrupt RNA splicing. Variants that disrupt the donor or acceptor splice site typically lead to a loss of protein function (PMID: 16199547), and loss-of-function variants in AARS2 are known to be pathogenic (PMID: 24808023, 30285085, 30819764). This variant is not present in population databases (gnomAD no frequency). This variant has not been reported in the literature in individuals affected with AARS2-related conditions. Algorithms developed to predict the effect of sequence changes on RNA splicing suggest that this variant may disrupt the consensus splice site. In summary, the currently available evidence indicates that the variant is pathogenic, but additional data are needed to prove that conclusively. Therefore, this variant has been classified as Likely Pathogenic.

Literature cited by the submitters: PubMed 16199547; PubMed 24808023; PubMed 30285085; PubMed 30819764.

NM_020745.4(AARS2):c.2683-2A>G

Gene: AARS2 (alanyl-tRNA synthetase 2, mitochondrial; minus strand). Cytogenetic location: 6p21.1.
Variant type: single nucleotide variant.
Coding change: c.2683-2A>G on transcript NM_020745.4 (MANE Select); the canonical splice acceptor site of the intron before coding-DNA position 2683, A replaced by G.
Molecular consequence: splice acceptor variant.
Genome position (GRCh38, 1-based): chr6:44,301,268, T>C on the plus strand (A>G on the coding strand, the complement: AARS2 is on the minus strand). VCF-style: chr6-44301268-T-C. GRCh37 (hg19) VCF-style: chr6-44269005-T-C.
Identifiers: ClinVar variation 3722069 (VCV003722069.2).